The following is an entry in ClinVar:

NC_000013.10:g.(?_51503591)_(51530610_?)del

Gene: RNASEH2B (ribonuclease H2 subunit B; plus strand). Cytogenetic location: 13q14.3.
Variant type: Deletion.
Identifiers: ClinVar variation 3244198 (VCV003244198.1).

ClinVar aggregate classification (germline): Pathogenic (1 of 4 stars; one submission).

Conditions:
Aicardi-Goutieres syndrome 2. Identifiers: Orphanet 51, MedGen C3489724, MONDO:0012429, OMIM 610181.

Submission:

Labcorp Genetics (formerly Invitae), Labcorp
Classification: Pathogenic for Aicardi-Goutieres syndrome 2. Last evaluated: 2022-12-17. Review status: criteria provided, single submitter. Criteria: Invitae Variant Classification Sherloc (09022015). Collection method: clinical testing. Allele origin: unknown.
Comment: For these reasons, this variant has been classified as Pathogenic. This variant disrupts a region of the RNASEH2B protein in which other variant(s) (p.Leu60Arg) have been determined to be pathogenic (PMID: 16845400). This suggests that this is a clinically significant region of the protein, and that variants that disrupt it are likely to be disease-causing. This variant has not been reported in the literature in individuals affected with RNASEH2B-related conditions. This variant is a gross deletion of the genomic region encompassing exon(s) 3-11 of the RNASEH2B gene, which includes the termination codon. This deletion extends beyond the assayed region for this gene and therefore may encompass additional genes. While this deletion is not anticipated to lead to nonsense mediated decay, it is expected to alter mRNA translation or result in a truncated protein product.

Literature cited by the submitters: PubMed 16845400.